The following is an entry in ClinVar:

NM_001379500.1(COL18A1):c.3940C>T (p.Leu1314=)

Genes: COL18A1 (collagen type XVIII alpha 1 chain; plus strand), SLC19A1 (solute carrier family 19 member 1; minus strand). Cytogenetic location: 21q22.3.
Variant type: single nucleotide variant.
Coding change: c.3940C>T on transcript NM_001379500.1 (MANE Select); coding-DNA position 3940, C replaced by T.
Protein change: p.Leu1314=; no amino-acid change (leucine 1314 retained).
Molecular consequence: synonymous variant.
Genome position (GRCh38, 1-based): chr21:45,512,318, C>T. VCF-style: chr21-45512318-C-T. GRCh37 (hg19) VCF-style: chr21-46932232-C-T.
Other names: c.4471C>T, p.Leu1491= (NM_030582.4); c.5176C>T, p.Leu1726= (NM_130444.3); c.4471C>T (NM_030582.3).
Identifiers: ClinVar variation 1413684 (VCV001413684.11), dbSNP rs372436243, ClinGen allele CA10068141.

ClinVar aggregate classification (germline): Likely benign. Review status: criteria provided, multiple submitters, no conflicts (2 of 4 stars). 4 submissions from 4 submitters: Likely benign (4). Last evaluated 2026-01-05.

Conditions:
COL18A1-related disorder. Also called: COL18A1-related disorders; COL18A1-related condition.

Allele frequency attached by ClinVar (database versions not stated): gnomAD exomes 0.00004 and 0.00007; ExAC 0.00005; gnomAD 0.00011; TOPMed 0.00013; ESP Exome Variant Server 0.00024.
gnomAD v4.1: 80 of 1,612,470 alleles (0.005%); highest among the groups gnomAD compares: Admixed American, 0.027%; no homozygotes.

Submissions (4):

Labcorp Genetics (formerly Invitae), Labcorp
Classification: Likely benign. Last evaluated: 2026-01-05. Review status: criteria provided, single submitter. Criteria: Invitae Variant Classification Sherloc (09022015). Collection method: clinical testing. Allele origin: germline.

PreventionGenetics, part of Exact Sciences
Classification: Likely benign for COL18A1-related condition. Last evaluated: 2024-12-30. Review status: criteria provided, single submitter. Criteria: ACMG Guidelines, 2015. Collection method: clinical testing. Allele origin: germline.
Comment: This variant is classified as likely benign based on ACMG/AMP sequence variant interpretation guidelines (Richards et al. 2015 PMID: 25741868, with internal and published modifications).

Women's Health and Genetics/Laboratory Corporation of America, LabCorp
Classification: Likely benign. Last evaluated: 2024-04-25. Review status: criteria provided, single submitter. Criteria: LabCorp Variant Classification Summary - May 2015. Collection method: clinical testing. Allele origin: germline.

Blueprint Genetics
Classification: Likely benign. Last evaluated: 2024-02-21. Review status: criteria provided, single submitter. Criteria: ACMG Guidelines, 2015. Collection method: clinical testing. Allele origin: germline.